The following is an entry in ClinVar:

ClinVar aggregate classification (germline): Uncertain significance (1 of 4 stars; one submission).

Allele frequency attached by ClinVar (database versions not stated): gnomAD exomes below 0.00001; gnomAD 0.00001; TOPMed 0.00002.
gnomAD v4.1: 4 of 1,613,008 alleles (0.00025%); highest among the groups gnomAD compares: Non-Finnish European, 0.00034%; no homozygotes.

Submission:

Labcorp Genetics (formerly Invitae), Labcorp
Classification: Uncertain significance. Last evaluated: 2025-01-13. Review status: criteria provided, single submitter. Criteria: Invitae Variant Classification Sherloc (09022015). Collection method: clinical testing. Allele origin: germline.
Comment: This sequence change replaces glycine, which is neutral and non-polar, with aspartic acid, which is acidic and polar, at codon 820 of the AHDC1 protein (p.Gly820Asp). This variant is present in population databases (no rsID available, gnomAD 0.0009%). This variant has not been reported in the literature in individuals affected with AHDC1-related conditions. ClinVar contains an entry for this variant (Variation ID: 2776060). An algorithm developed to predict the effect of missense changes on protein structure and function (PolyPhen-2) suggests that this variant is likely to be tolerated. In summary, the available evidence is currently insufficient to determine the role of this variant in disease. Therefore, it has been classified as a Variant of Uncertain Significance.

NM_001371928.1(AHDC1):c.2459G>A (p.Gly820Asp)

Gene: AHDC1 (AT-hook DNA binding motif containing 1; minus strand). Cytogenetic location: 1p36.11.
Variant type: single nucleotide variant.
Coding change: c.2459G>A on transcript NM_001371928.1 (MANE Select); coding-DNA position 2459, G replaced by A.
Protein change: p.Gly820Asp; replaces glycine 820 with aspartic acid.
Molecular consequence: missense variant.
Genome position (GRCh38, 1-based): chr1:27,549,657, C>T on the plus strand (G>A on the coding strand, the complement: AHDC1 is on the minus strand). VCF-style: chr1-27549657-C-T. GRCh37 (hg19) VCF-style: chr1-27876168-C-T.
Other names: c.2459G>A, p.Gly820Asp (NM_001029882.3); short protein forms G820D.
Identifiers: ClinVar variation 2776060 (VCV002776060.3), dbSNP rs1452010898, ClinGen allele CA339230483.